The following is an entry in ClinVar:

ClinVar aggregate classification (germline): Benign/Likely benign. Review status: criteria provided, multiple submitters, no conflicts (2 of 4 stars). 2 submissions from 2 submitters: Benign (1); Likely benign (1). Last evaluated 2026-08-01.

Allele frequency attached by ClinVar (database versions not stated): ExAC 0.00041; ESP Exome Variant Server 0.00116; gnomAD 0.00121; TOPMed 0.00122; 1000 Genomes Project 0.00200; 1000 Genomes Project 30x 0.00219.
gnomAD v4.1: 378 of 1,613,992 alleles (0.023%); highest among the groups gnomAD compares: African/African-American, 0.43%; 3 homozygotes.

Submissions (2):

CeGaT Center for Human Genetics Tuebingen
Classification: Likely benign. Last evaluated: 2026-08-01. Review status: criteria provided, single submitter. Criteria: CeGaT Center For Human Genetics Tuebingen Variant Classification Criteria Version 2. Collection method: clinical testing. Allele origin: germline. Affected: yes. Observed: 2 variant alleles.
Comment: HERC1: BP4, BP7

Labcorp Genetics (formerly Invitae), Labcorp
Classification: Benign. Last evaluated: 2025-12-08. Review status: criteria provided, single submitter. Criteria: Invitae Variant Classification Sherloc (09022015). Collection method: clinical testing. Allele origin: germline.

NM_003922.4(HERC1):c.111G>A (p.Leu37=)

Gene: HERC1 (HECT and RLD domain containing E3 ubiquitin protein ligase family member 1; minus strand). Cytogenetic location: 15q22.31.
Variant type: single nucleotide variant.
Coding change: c.111G>A on transcript NM_003922.4 (MANE Select); coding-DNA position 111, G replaced by A.
Protein change: p.Leu37=; no amino-acid change (leucine 37 retained).
Molecular consequence: synonymous variant.
Genome position (GRCh38, 1-based): chr15:63,775,513, C>T on the plus strand (G>A on the coding strand, the complement: HERC1 is on the minus strand). VCF-style: chr15-63775513-C-T. GRCh37 (hg19) VCF-style: chr15-64067712-C-T.
Identifiers: ClinVar variation 2058551 (VCV002058551.6), dbSNP rs190733516, ClinGen allele CA7606700.